The following is an entry in ClinVar:

ClinVar aggregate classification (germline): Uncertain significance. Review status: criteria provided, multiple submitters, no conflicts (2 of 4 stars). 2 submissions from 2 submitters: Uncertain significance (2). Last evaluated 2025-10-14.

Conditions:
Inborn genetic diseases. Identifiers: MedGen C0950123, MeSH D030342.

gnomAD v4.1: 1 of 1,608,944 alleles (0.000062%); highest among the groups gnomAD compares: Non-Finnish European, 0.000085%; no homozygotes.

Submissions (2):

Labcorp Genetics (formerly Invitae), Labcorp
Classification: Uncertain significance. Last evaluated: 2025-10-14. Review status: criteria provided, single submitter. Criteria: Invitae Variant Classification Sherloc (09022015). Collection method: clinical testing. Allele origin: germline.
Comment: This sequence change replaces serine, which is neutral and polar, with asparagine, which is neutral and polar, at codon 464 of the ANKRD26 protein (p.Ser464Asn). This variant is not present in population databases (gnomAD no frequency). This variant has not been reported in the literature in individuals affected with ANKRD26-related conditions. An algorithm developed to predict the effect of missense changes on protein structure and function outputs the following: PolyPhen-2: "Benign". The asparagine amino acid residue is found in multiple mammalian species, which suggests that this missense change does not adversely affect protein function. In summary, the available evidence is currently insufficient to determine the role of this variant in disease. Therefore, it has been classified as a Variant of Uncertain Significance.

Ambry Genetics
Classification: Uncertain significance for Inborn genetic diseases. Last evaluated: 2025-08-22. Review status: criteria provided, single submitter. Criteria: Ambry Variant Classification Scheme 2023. Collection method: clinical testing. Allele origin: germline.
Comment: The p.S464N variant (also known as c.1391G>A), located in coding exon 13 of the ANKRD26 gene, results from a G to A substitution at nucleotide position 1391. The serine at codon 464 is replaced by asparagine, an amino acid with highly similar properties. This amino acid position is conserved. In addition, this alteration is predicted to be tolerated by in silico analysis. Based on the available evidence, the clinical significance of this variant remains unclear.

NM_014915.3(ANKRD26):c.1391G>A (p.Ser464Asn)

Gene: ANKRD26 (ankyrin repeat domain 26; minus strand). Cytogenetic location: 10p12.1.
Variant type: single nucleotide variant.
Coding change: c.1391G>A on transcript NM_014915.3 (MANE Select); coding-DNA position 1391, G replaced by A.
Protein change: p.Ser464Asn; replaces serine 464 with asparagine.
Molecular consequence: missense variant.
Genome position (GRCh38, 1-based): chr10:27,061,215, C>T on the plus strand (G>A on the coding strand, the complement: ANKRD26 is on the minus strand). VCF-style: chr10-27061215-C-T. GRCh37 (hg19) VCF-style: chr10-27350144-C-T.
Other names: c.1391G>A, p.Ser464Asn (NM_001256053.2); short protein forms S464N.
Identifiers: ClinVar variation 4102709 (VCV004102709.2).